The following is an entry in ClinVar:

NM_032620.4(GTPBP3):c.356del (p.Pro119fs)

Gene: GTPBP3 (GTP binding protein 3, mitochondrial; plus strand). Cytogenetic location: 19p13.11.
Variant type: Deletion.
Coding change: c.356del on transcript NM_032620.4 (MANE Select); coding-DNA position 356, one base deleted (C; older notation c.356delC).
Protein change: p.Pro119fs; shifts the reading frame from proline 119.
Molecular consequence: frameshift variant.
Genome position (GRCh38, 1-based): chr19:17,338,419, C deleted; the last of 3 consecutive C bases (chr19:17,338,417-17,338,419); deleting any one gives the same sequence. VCF-style (leftmost placement, unchanged base first): chr19-17338416-GC-G. GRCh37 (hg19) VCF-style: chr19-17449225-GC-G.
Other names: c.356del, p.Pro119fs (NM_001128855.3, NM_133644.4); c.422del, p.Pro141fs (NM_001195422.1); short protein forms P119fs, P141fs.
Identifiers: ClinVar variation 2102551 (VCV002102551.4), dbSNP rs746428014, ClinGen allele CA9293319.
Genomic context (GRCh38, chr19:17,338,416, plus strand): 5'-TCACATTAGGTCCCCAGAGTTTCACCGGTGAGGACTGCGTGGAGTTCCACGTGCATGGAG[GC>G]CCGGCAGTGGTGAGCGGCGTCCTGCAGGCCTTGGGTGAGTTGCAGCGTTGGGTGAGATGC-3'

ClinVar aggregate classification (germline): Pathogenic (1 of 4 stars; one submission).

Submission:

Labcorp Genetics (formerly Invitae), Labcorp
Classification: Pathogenic. Last evaluated: 2025-02-24. Review status: criteria provided, single submitter. Criteria: Invitae Variant Classification Sherloc (09022015). Collection method: clinical testing. Allele origin: germline.
Comment: This sequence change creates a premature translational stop signal (p.Pro119Argfs*4) in the GTPBP3 gene. It is expected to result in an absent or disrupted protein product. Loss-of-function variants in GTPBP3 are known to be pathogenic (PMID: 25434004). This variant is present in population databases (rs746428014, gnomAD 0.007%). This variant has not been reported in the literature in individuals affected with GTPBP3-related conditions. ClinVar contains an entry for this variant (Variation ID: 2102551). For these reasons, this variant has been classified as Pathogenic.

Literature cited by the submitters: PubMed 25434004.